The following is an entry in ClinVar:

ClinVar aggregate classification (germline): Likely pathogenic (1 of 4 stars; one submission).

Conditions:
Cerebral cavernous malformation (CCM). Also called: Cavernous Hemangioma of Brain; Cerebral cavernous malformations; CAVERNOUS ANGIOMA, FAMILIAL; CAVERNOUS ANGIOMATOUS MALFORMATIONS; CEREBRAL CAPILLARY MALFORMATIONS; Cerebral cavernous hemangioma (type). Identifiers: Orphanet 221061, MedGen C2919945, MONDO:0000820, OMIM 116860, HP:0033522.

Submission:

Greenwood Genetic Center Diagnostic Laboratories, Greenwood Genetic Center
Classification: Likely pathogenic for Cerebral cavernous malformation. Last evaluated: 2023-07-05. Review status: criteria provided, single submitter. Criteria: ACMG Guidelines, 2015. Collection method: clinical testing. Allele origin: germline. Affected: yes.
Comment: PVS1, PM2

NM_194454.3(KRIT1):c.1564-2A>T

Gene: KRIT1 (KRIT1 ankyrin repeat containing; minus strand). Cytogenetic location: 7q21.2.
Variant type: single nucleotide variant.
Coding change: c.1564-2A>T on transcript NM_194454.3 (MANE Select); the canonical splice acceptor site of the intron before coding-DNA position 1564, A replaced by T.
Molecular consequence: splice acceptor variant.
Genome position (GRCh38, 1-based): chr7:92,214,779, T>A on the plus strand (A>T on the coding strand, the complement: KRIT1 is on the minus strand). VCF-style: chr7-92214779-T-A. GRCh37 (hg19) VCF-style: chr7-91844093-T-A.
Other names: c.1564-2A>T (NM_001350672.1, NM_001350676.1, NM_001350673.1 and 26 more transcripts); c.1420-2A>T (NM_001350669.1, NM_001013406.2, NM_001350670.1); c.850-2A>T (NM_001350671.1).
Identifiers: ClinVar variation 2626895 (VCV002626895.1), dbSNP rs2535727506, ClinGen allele CA368142687.